The following is an entry in ClinVar:

ClinVar aggregate classification (germline): Uncertain significance (1 of 4 stars; one submission).

Allele frequency attached by ClinVar (database versions not stated): TOPMed below 0.00001; gnomAD 0.00001; gnomAD exomes 0.00001.
gnomAD v4.1: 8 of 1,613,536 alleles (0.0005%); highest among the groups gnomAD compares: Non-Finnish European, 0.00068%; no homozygotes.

Submission:

Labcorp Genetics (formerly Invitae), Labcorp
Classification: Uncertain significance. Last evaluated: 2023-01-24. Review status: criteria provided, single submitter. Criteria: Invitae Variant Classification Sherloc (09022015). Collection method: clinical testing. Allele origin: germline.
Comment: This sequence change replaces proline, which is neutral and non-polar, with serine, which is neutral and polar, at codon 392 of the CLTC protein (p.Pro392Ser). In summary, the available evidence is currently insufficient to determine the role of this variant in disease. Therefore, it has been classified as a Variant of Uncertain Significance. Advanced modeling of protein sequence and biophysical properties (such as structural, functional, and spatial information, amino acid conservation, physicochemical variation, residue mobility, and thermodynamic stability) performed at Invitae indicates that this missense variant is not expected to disrupt CLTC protein function. This variant is also known as c.1165C>T, p.Pro389Ser. This missense change has been observed in individual(s) with clinical features of CLTC-related conditions (PMID: 33004838). This variant is present in population databases (no rsID available, gnomAD 0.007%).

Literature cited by the submitters: PubMed 33004838.

NM_004859.4(CLTC):c.1162C>T (p.Pro388Ser)

Gene: CLTC (clathrin heavy chain; plus strand). Cytogenetic location: 17q23.1.
Variant type: single nucleotide variant.
Coding change: c.1162C>T on transcript NM_004859.4 (MANE Select); coding-DNA position 1162, C replaced by T.
Protein change: p.Pro388Ser; replaces proline 388 with serine.
Molecular consequence: missense variant.
Genome position (GRCh38, 1-based): chr17:59,660,583, C>T. VCF-style: chr17-59660583-C-T. GRCh37 (hg19) VCF-style: chr17-57737944-C-T.
Other names: c.1174C>T, p.Pro392Ser (NM_001288653.2); short protein forms P392S, P388S.
Identifiers: ClinVar variation 2099103 (VCV002099103.4), dbSNP rs1442834457, ClinGen allele CA400423924.